The following is an entry in ClinVar:

ClinVar aggregate classification (germline): Pathogenic (1 of 4 stars; one submission).

Conditions:
Familial cancer of breast. Also called: BREAST CANCER, FAMILIAL; Hereditary breast cancer; hereditary breast carcinoma. Identifiers: Orphanet 227535, MedGen C0346153, MONDO:0016419, OMIM 114480. Disease mechanism: loss of function.

Submission:

KCCC/NGS Laboratory, Kuwait Cancer Control Center
Classification: Pathogenic for Familial cancer of breast. Last evaluated: 2024-05-02. Review status: criteria provided, single submitter. Criteria: ACMG Guidelines, 2015. Collection method: clinical testing. Allele origin: germline. Inheritance: Autosomal dominant inheritance. Affected: yes. Observed: 1 heterozygote.
Comment: A copy number variant was detected in the ATM gene. The deleted region encompases exons 37 to 43. Heterozygous partially deletions in the ATM gene are published as disease causing (PMID 27664052, 6681312). This CNV contains 208 loss-of-function causing variants, and and a coding region of a loss-of-function gene. Heterozygous pathogenic variants in the ATM gene cause familial breast cancer susceptibility (OMIM# 114480). The cancer risk of individuals heterozygous for an ATM pathogenic variant is approximately four times that of the general population, primarily because of the increased risk for breast cancer. Potentially, it may increase the risk of ovarian cancer. There is insufficient evidence to suggest increased risk for pancreatic cancer. Homozygous or compound heterozygous mutations in the ATM gene are associated with ataxia- telangiectasia (A-T). Classic ataxia-telangiectasia is characterized by progressive cerebellar ataxia beginning between ages 1 and 4 years, oculomotor apraxia, choreoathetosis, telangiectasias of the conjunctivae, immunodeficiency, frequent infections, and an increased risk for malignancy, particularly leukemia and lymphoma. Individuals with A-T are unusually sensitive to ionizing radiation. Nonclassic forms of A-T have included adult-onset A-T and A-T with early-onset dystonia.

NM_000051.3:g.(?_108175383)_(108188278_?)del

Gene: ATM (ATM serine/threonine kinase; plus strand).
Variant type: Deletion.
Identifiers: ClinVar variation 3233445 (VCV003233445.2).